The following is an entry in ClinVar:

NM_000093.5(COL5A1):c.2233-62G>T

Gene: COL5A1 (collagen type V alpha 1 chain; plus strand). Cytogenetic location: 9q34.3.
Variant type: single nucleotide variant.
Coding change: c.2233-62G>T on transcript NM_000093.5 (MANE Select); 62 bases into the intron before coding-DNA position 2233, G replaced by T.
Molecular consequence: intron variant.
Genome position (GRCh38, 1-based): chr9:134,768,348, G>T. VCF-style: chr9-134768348-G-T. GRCh37 (hg19) VCF-style: chr9-137660194-G-T.
Other names: c.2233-62G>T (NM_001278074.1).
Identifiers: ClinVar variation 670978 (VCV000670978.2), dbSNP rs4842162, ClinGen allele CA13060265.

ClinVar aggregate classification (germline): Benign. Review status: criteria provided, multiple submitters, no conflicts (2 of 4 stars). 2 submissions from 2 submitters: Benign (2). Last evaluated 2018-06-14.

Allele frequency attached by ClinVar (database versions not stated): ESP Exome Variant Server 0.37889; gnomAD 0.38133; TOPMed 0.39056; 1000 Genomes Project 30x 0.45487; 1000 Genomes Project 0.45567.
gnomAD v4.1: 516,958 of 1,419,530 alleles (36%); highest among the groups gnomAD compares: East Asian, 70%; 98,639 homozygotes.

Submissions (2):

GeneDx
Classification: Benign. Last evaluated: 2018-06-14. Review status: criteria provided, single submitter. Criteria: GeneDx Variant Classification (06012015). Collection method: clinical testing. Allele origin: germline. Affected: yes.
Comment: This variant is considered likely benign or benign based on one or more of the following criteria: it is a conservative change, it occurs at a poorly conserved position in the protein, it is predicted to be benign by multiple in silico algorithms, and/or has population frequency not consistent with disease.

Breakthrough Genomics
Classification: Benign. Review status: criteria provided, single submitter. Criteria: ACMG Guidelines, 2015. Collection method: not provided. Allele origin: germline. Inheritance: Autosomal dominant inheritance. Affected: yes.